The following is an entry in ClinVar:

NM_017671.5(FERMT1):c.1371+4A>G

Gene: FERMT1 (FERM domain containing kindlin 1; minus strand). Cytogenetic location: 20p12.3.
Variant type: single nucleotide variant.
Coding change: c.1371+4A>G on transcript NM_017671.5 (MANE Select); 4 bases into the intron after coding-DNA position 1371, A replaced by G.
Molecular consequence: intron variant.
Genome position (GRCh38, 1-based): chr20:6,087,773, T>C on the plus strand (A>G on the coding strand, the complement: FERMT1 is on the minus strand). VCF-style: chr20-6087773-T-C. GRCh37 (hg19) VCF-style: chr20-6068420-T-C.
Identifiers: ClinVar variation 419594 (VCV000419594.3), dbSNP rs1064793979, ClinGen allele CA16620946.

ClinVar aggregate classification (germline): Pathogenic. Review status: criteria provided, multiple submitters, no conflicts (2 of 4 stars). 2 submissions from 2 submitters: Pathogenic (2). Last evaluated 2015-08-19.

Conditions:
Kindler syndrome (KNDLRS). Also called: Hereditary acrokeratotic poikiloderma of Weary; Poikiloderma of Kindler; Congenital bullous poikiloderma; Kindler's syndrome; POIKILODERMA, CONGENITAL, WITH BULLAE, WEARY TYPE; POIKILODERMA, HEREDITARY ACROKERATOTIC. Identifiers: Orphanet 2908, Orphanet 306539, MedGen C0406557, MONDO:0008260, OMIM 173650.

Submissions (2):

GeneDx
Classification: Pathogenic. Last evaluated: 2015-08-19. Review status: criteria provided, single submitter. Criteria: GeneDx Variant Classification (06012015). Collection method: clinical testing. Allele origin: germline. Affected: yes.
Comment: The c.1371+4A>G variant in the FERMT1 gene has been reported previously in association with KindlerSyndrome (Has et al. 2011, Zapatero-Solana et al., 2014). This substitution reduces the quality of the splicedonor site in intron 11, and has been shown to cause abnormal gene splicing, the deletion of 32 nucleotides,a frame shift and the formation of a premature termination codon. The c.1371+4A>G variant was notobserved in approximately 6500 individuals of European and African American ancestry in the NHLBIExome Sequencing Project, indicating it is not a common benign variant in these populations. We interpretc.1371+4A>G as a pathogenic variant.

Biomedical Innovation Departament, CIEMAT
Classification: Pathogenic for Kindler's syndrome. Last evaluated: 2009-07-10. Review status: criteria provided, single submitter. Criteria: ACMG Guidelines, 2015. Collection method: research. Allele origin: germline. Affected: yes. Observed: 1 variant allele.

Literature cited by the submitters: PubMed 21936020 (cited by Biomedical Innovation Departament, CIEMAT).